The following is an entry in ClinVar:

ClinVar aggregate classification (germline): Uncertain significance (1 of 4 stars; one submission).

Conditions:
Van der Woude syndrome. Identifiers: Orphanet 888, MedGen C0175697, MONDO:0019508.
Popliteal pterygium syndrome (PPS). Identifiers: Orphanet 294963, MedGen C0265259, MONDO:0017435.
Orofacial cleft 6, susceptibility to (OFC6). Also called: CLEFT LIP WITH OR WITHOUT CLEFT PALATE, NONSYNDROMIC, 6. Identifiers: MedGen C1837213, MONDO:0012141, OMIM 608864.

Submission:

Labcorp Genetics (formerly Invitae), Labcorp
Classification: Uncertain significance for Orofacial cleft 6, susceptibility to; Van der Woude syndrome; Popliteal pterygium syndrome. Last evaluated: 2025-12-15. Review status: criteria provided, single submitter. Criteria: Invitae Variant Classification Sherloc (09022015). Collection method: clinical testing. Allele origin: germline.
Comment: This sequence change replaces aspartic acid, which is acidic and polar, with asparagine, which is neutral and polar, at codon 225 of the IRF6 protein (p.Asp225Asn). This variant is not present in population databases (gnomAD no frequency). This variant has not been reported in the literature in individuals affected with IRF6-related conditions. Invitae Evidence Modeling of protein sequence and biophysical properties (such as structural, functional, and spatial information, amino acid conservation, physicochemical variation, residue mobility, and thermodynamic stability) has been performed for this missense variant. However, the output from this modeling did not meet the statistical confidence thresholds required to predict the impact of this variant on IRF6 protein function. In summary, the available evidence is currently insufficient to determine the role of this variant in disease. Therefore, it has been classified as a Variant of Uncertain Significance.

NM_006147.4(IRF6):c.673G>A (p.Asp225Asn)

Gene: IRF6 (interferon regulatory factor 6; minus strand). Cytogenetic location: 1q32.2.
Variant type: single nucleotide variant.
Coding change: c.673G>A on transcript NM_006147.4 (MANE Select); coding-DNA position 673, G replaced by A.
Protein change: p.Asp225Asn; replaces aspartic acid 225 with asparagine.
Molecular consequence: missense variant.
Genome position (GRCh38, 1-based): chr1:209,790,882, C>T on the plus strand (G>A on the coding strand, the complement: IRF6 is on the minus strand). VCF-style: chr1-209790882-C-T. GRCh37 (hg19) VCF-style: chr1-209964227-C-T.
Other names: c.388G>A, p.Asp130Asn (NM_001206696.2); short protein forms D130N, D225N.
Identifiers: ClinVar variation 4792060 (VCV004792060.1).